The following is an entry in ClinVar:

NM_000506.5(F2):c.234G>A (p.Thr78=)

Gene: F2 (coagulation factor II, thrombin; plus strand). Cytogenetic location: 11p11.2.
Variant type: single nucleotide variant.
Coding change: c.234G>A on transcript NM_000506.5 (MANE Select); coding-DNA position 234, G replaced by A.
Protein change: p.Thr78=; no amino-acid change (threonine 78 retained).
Molecular consequence: synonymous variant.
Genome position (GRCh38, 1-based): chr11:46,719,856, G>A. VCF-style: chr11-46719856-G-A. GRCh37 (hg19) VCF-style: chr11-46741406-G-A.
Other names: c.234G>A (NM_000506.4).
Identifiers: ClinVar variation 878743 (VCV000878743.11), dbSNP rs151121282, ClinGen allele CA5966828.

ClinVar aggregate classification (germline): Conflicting classifications of pathogenicity. Review status: criteria provided, conflicting classifications (1 of 4 stars). 7 submissions from 6 submitters: Uncertain significance (3); Likely benign (4). Last evaluated 2026-02-03.

Conditions:
Thrombophilia due to thrombin defect (THPH1). Also called: Thrombosis susceptibility; THROMBOPHILIA DUE TO FACTOR 2 DEFECT; Prothrombin-Related Thrombophilia (Factor II); Prothrombin Thrombophilia. Identifiers: MedGen C3160733, MONDO:0008559, OMIM 188050. Disease mechanism: gain of function, loss of function.
Inborn genetic diseases. Identifiers: MedGen C0950123, MeSH D030342.
F2-related disorder. Also called: F2-related disorders; F2-related condition.
Congenital prothrombin deficiency. Also called: HYPOPROTHROMBINEMIA; Hereditary factor II deficiency disease; Inherited hypoprothrombinemia; Congenital factor II deficiency; Inherited prothrombin deficiency; Factor II deficiency. Identifiers: Orphanet 325, MedGen C0272317, MONDO:0013361, OMIM 613679.

Allele frequency attached by ClinVar (database versions not stated): ExAC 0.00015; 1000 Genomes Project 30x 0.00016; 1000 Genomes Project 0.00020; gnomAD exomes 0.00022 and 0.00039; TOPMed 0.00023; gnomAD 0.00030 and 0.00031; ESP Exome Variant Server 0.00031.
gnomAD v4.1: 584 of 1,565,814 alleles (0.037%); highest among the groups gnomAD compares: Non-Finnish European, 0.047%; no homozygotes.

Submissions (7):

Labcorp Genetics (formerly Invitae), Labcorp
Classification: Likely benign for Congenital prothrombin deficiency. Last evaluated: 2026-02-03. Review status: criteria provided, single submitter. Criteria: Invitae Variant Classification Sherloc (09022015). Collection method: clinical testing. Allele origin: germline.

PreventionGenetics, part of Exact Sciences
Classification: Likely benign for F2-related condition. Last evaluated: 2025-03-14. Review status: criteria provided, single submitter. Criteria: ACMG Guidelines, 2015. Collection method: clinical testing. Allele origin: germline.
Comment: This variant is classified as likely benign based on ACMG/AMP sequence variant interpretation guidelines (Richards et al. 2015 PMID: 25741868, with internal and published modifications).

Ambry Genetics
Classification: Likely benign for Inborn genetic diseases. Last evaluated: 2025-01-28. Review status: criteria provided, single submitter. Criteria: Ambry Variant Classification Scheme 2023. Collection method: clinical testing. Allele origin: germline.

Blueprint Genetics
Classification: Likely benign. Last evaluated: 2024-11-07. Review status: criteria provided, single submitter. Criteria: ACMG Guidelines, 2015. Collection method: clinical testing. Allele origin: germline.

Illumina Laboratory Services, Illumina
Classification: Uncertain significance for Congenital prothrombin deficiency. Last evaluated: 2018-01-12. Review status: criteria provided, single submitter. Criteria: ICSL Variant Classification Criteria 13 December 2019. Collection method: clinical testing. Allele origin: germline.

Illumina Laboratory Services, Illumina
Classification: Uncertain significance for Thrombophilia due to thrombin defect. Last evaluated: 2018-01-12. Review status: criteria provided, single submitter. Criteria: ICSL Variant Classification Criteria 13 December 2019. Collection method: clinical testing. Allele origin: germline.

Breakthrough Genomics
Classification: Uncertain significance. Review status: criteria provided, single submitter. Criteria: ACMG Guidelines, 2015. Collection method: not provided. Allele origin: germline. Inheritance: Autosomal recessive inheritance. Affected: yes.